The following is an entry in ClinVar:

ClinVar aggregate classification (germline): Benign/Likely benign. Review status: criteria provided, multiple submitters, no conflicts (2 of 4 stars). 2 submissions from 2 submitters: Benign (1); Likely benign (1). Last evaluated 2025-06-01.

Allele frequency attached by ClinVar (database versions not stated): gnomAD exomes 0.00310 and 0.00252; 1000 Genomes Project 0.00120; 1000 Genomes Project 30x 0.00125; ESP Exome Variant Server 0.00258; gnomAD 0.00277 and 0.00283; ExAC 0.00307; TOPMed 0.00308.
gnomAD v4.1: 4,905 of 1,599,752 alleles (0.31%); highest among the groups gnomAD compares: Admixed American, 0.37%; 14 homozygotes.

Submissions (2):

CeGaT Center for Human Genetics Tuebingen
Classification: Likely benign. Last evaluated: 2025-06-01. Review status: criteria provided, single submitter. Criteria: CeGaT Center For Human Genetics Tuebingen Variant Classification Criteria Version 2. Collection method: clinical testing. Allele origin: germline. Affected: yes. Observed: 2 variant alleles.
Comment: MGA: BP4, BS2

Labcorp Genetics (formerly Invitae), Labcorp
Classification: Benign. Last evaluated: 2018-07-06. Review status: criteria provided, single submitter. Criteria: Invitae Variant Classification Sherloc (09022015). Collection method: clinical testing. Allele origin: germline.

NM_001400225.1(MGA):c.1817C>T (p.Ala606Val)

Gene: MGA (MAX dimerization protein MGA; plus strand). Cytogenetic location: 15q15.1.
Variant type: single nucleotide variant.
Coding change: c.1817C>T on transcript NM_001400225.1 (MANE Select); coding-DNA position 1817, C replaced by T.
Protein change: p.Ala606Val; replaces alanine 606 with valine.
Molecular consequence: missense variant.
Genome position (GRCh38, 1-based): chr15:41,696,827, C>T. VCF-style: chr15-41696827-C-T. GRCh37 (hg19) VCF-style: chr15-41989025-C-T.
Other names: c.1817C>T, p.Ala606Val (NM_001080541.3, NM_001164273.2, NM_001400242.1); short protein forms A606V.
Identifiers: ClinVar variation 778487 (VCV000778487.27), dbSNP rs140642216, ClinGen allele CA7495869.